The following is an entry in ClinVar:

NM_133638.6(ADAMTS19):c.1655C>T (p.Pro552Leu)

Gene: ADAMTS19 (ADAM metallopeptidase with thrombospondin type 1 motif 19; plus strand). Cytogenetic location: 5q23.3.
Variant type: single nucleotide variant.
Coding change: c.1655C>T on transcript NM_133638.6 (MANE Select); coding-DNA position 1655, C replaced by T.
Protein change: p.Pro552Leu; replaces proline 552 with leucine.
Molecular consequence: missense variant.
Genome position (GRCh38, 1-based): chr5:129,622,233, C>T. VCF-style: chr5-129622233-C-T. GRCh37 (hg19) VCF-style: chr5-128957926-C-T.
Other names: short protein forms P552L.
Identifiers: ClinVar variation 713081 (VCV000713081.10), dbSNP rs115634132, ClinGen allele CA3397502.

ClinVar aggregate classification (germline): Benign/Likely benign. Review status: criteria provided, multiple submitters, no conflicts (2 of 4 stars). 2 submissions from 2 submitters: Benign (1); Likely benign (1). Last evaluated 2025-09-01.

Allele frequency attached by ClinVar (database versions not stated): gnomAD exomes 0.00041 and 0.00121; ExAC 0.00149; gnomAD 0.00436 and 0.00470; TOPMed 0.00503; ESP Exome Variant Server 0.00515; 1000 Genomes Project 0.00559; 1000 Genomes Project 30x 0.00625.

Submissions (2):

CeGaT Center for Human Genetics Tuebingen
Classification: Likely benign. Last evaluated: 2025-09-01. Review status: criteria provided, single submitter. Criteria: CeGaT Center For Human Genetics Tuebingen Variant Classification Criteria Version 2. Collection method: clinical testing. Allele origin: germline. Affected: yes. Observed: 1 variant allele.
Comment: ADAMTS19: BS1

Labcorp Genetics (formerly Invitae), Labcorp
Classification: Benign. Last evaluated: 2018-02-09. Review status: criteria provided, single submitter. Criteria: Invitae Variant Classification Sherloc (09022015). Collection method: clinical testing. Allele origin: germline.